The following is an entry in ClinVar:

ClinVar aggregate classification (germline): Uncertain significance (1 of 4 stars; one submission).

Conditions:
Charcot-Marie-Tooth disease axonal type 2Q. Also called: CHARCOT-MARIE-TOOTH DISEASE, AXONAL, AUTOSOMAL DOMINANT, TYPE 2Q; CHARCOT-MARIE-TOOTH NEUROPATHY, TYPE 2Q. Identifiers: Orphanet 329258, MedGen C3554366, MONDO:0014012, OMIM 615025.

Allele frequency attached by ClinVar (database versions not stated): ExAC 0.00001; TOPMed 0.00001.
gnomAD v4.1: 7 of 1,592,838 alleles (0.00044%); highest among the groups gnomAD compares: Non-Finnish European, 0.0006%; no homozygotes.

Submission:

Concord Molecular Medicine Laboratory, Concord Repatriation General Hospital
Classification: Uncertain significance for Charcot-Marie-Tooth disease axonal type 2Q. Last evaluated: 2023-01-17. Review status: criteria provided, single submitter. Criteria: ACMG Guidelines, 2015. Collection method: clinical testing. Allele origin: germline. Affected: yes.
Comment: Variants in DHTKD1 have been reported in a few families to cause Charcot-Marie-Tooth Disease 2Q (OMIM#615025; PMIDs: 23141294, 34571524). DHTKD1 deficiency causes Charcot-Marie-Tooth Disease in mouse model (PMID: 29661920, 32169121). However the gene-disease association is currently not firmly established (PMID: 30896807). This variant has been detected in control population database (gnomAD) at a very low frequency. The variant is not predicted to be pathogenic (REVEL score 0.354), although it is located within the C-terminal 2-oxoglutarate dehydrogenase domain. Based on the current available evidence, this variant is classified as a variant of uncertain significance (ACMG criteria: PM1, PM2_supporting).

NM_018706.7(DHTKD1):c.2546A>T (p.Glu849Val)

Gene: DHTKD1 (dehydrogenase E1 and transketolase domain containing 1; plus strand). Cytogenetic location: 10p14.
Variant type: single nucleotide variant.
Coding change: c.2546A>T on transcript NM_018706.7 (MANE Select); coding-DNA position 2546, A replaced by T.
Protein change: p.Glu849Val; replaces glutamic acid 849 with valine.
Molecular consequence: missense variant.
Genome position (GRCh38, 1-based): chr10:12,118,892, A>T. VCF-style: chr10-12118892-A-T. GRCh37 (hg19) VCF-style: chr10-12160891-A-T.
Other names: short protein forms E849V.
Identifiers: ClinVar variation 1895437 (VCV001895437.1), dbSNP rs778723208, ClinGen allele CA5408294.